The following is an entry in ClinVar:

ClinVar aggregate classification (germline): Uncertain significance (1 of 4 stars; one submission).

Conditions:
Congenital disorder of glycosylation type Ir (CDG1R). Also called: DDOST-congenital disorder of glycosylation. Identifiers: Orphanet 300536, MedGen C3281084, MONDO:0013789, OMIM 614507.

Allele frequency attached by ClinVar (database versions not stated): gnomAD exomes below 0.00001; TOPMed below 0.00001.
gnomAD v4.1: 7 of 1,614,106 alleles (0.00043%); highest among the groups gnomAD compares: Admixed American, 0.0083%; no homozygotes.

Submission:

Labcorp Genetics (formerly Invitae), Labcorp
Classification: Uncertain significance for Congenital disorder of glycosylation type Ir. Last evaluated: 2022-01-11. Review status: criteria provided, single submitter. Criteria: Invitae Variant Classification Sherloc (09022015). Collection method: clinical testing. Allele origin: germline.
Comment: This sequence change replaces valine, which is neutral and non-polar, with alanine, which is neutral and non-polar, at codon 113 of the DDOST protein (p.Val113Ala). This variant is not present in population databases (gnomAD no frequency). This variant has not been reported in the literature in individuals affected with DDOST-related conditions. Algorithms developed to predict the effect of missense changes on protein structure and function (SIFT, PolyPhen-2, Align-GVGD) all suggest that this variant is likely to be tolerated. In summary, the available evidence is currently insufficient to determine the role of this variant in disease. Therefore, it has been classified as a Variant of Uncertain Significance.

NM_005216.5(DDOST):c.287T>C (p.Val96Ala)

Gene: DDOST (dolichyl-diphosphooligosaccharide--protein glycosyltransferase non-catalytic subunit; minus strand). Cytogenetic location: 1p36.12.
Variant type: single nucleotide variant.
Coding change: c.287T>C on transcript NM_005216.5 (MANE Select); coding-DNA position 287, T replaced by C.
Protein change: p.Val96Ala; replaces valine 96 with alanine.
Molecular consequence: missense variant.
Genome position (GRCh38, 1-based): chr1:20,656,166, A>G on the plus strand (T>C on the coding strand, the complement: DDOST is on the minus strand). VCF-style: chr1-20656166-A-G. GRCh37 (hg19) VCF-style: chr1-20982659-A-G.
Other names: short protein forms V96A.
Identifiers: ClinVar variation 1925997 (VCV001925997.5), dbSNP rs2053370502, ClinGen allele CA338854100.